The following is an entry in ClinVar:

NM_003628.6(PKP4):c.2009G>A (p.Gly670Glu)

Gene: PKP4 (plakophilin 4; plus strand). Cytogenetic location: 2q24.1.
Variant type: single nucleotide variant.
Coding change: c.2009G>A on transcript NM_003628.6 (MANE Select); coding-DNA position 2009, G replaced by A.
Protein change: p.Gly670Glu; replaces glycine 670 with glutamic acid.
Molecular consequence: missense variant.
Genome position (GRCh38, 1-based): chr2:158,658,230, G>A. VCF-style: chr2-158658230-G-A. GRCh37 (hg19) VCF-style: chr2-159514742-G-A.
Other names: c.2009G>A, p.Gly670Glu (NM_001005476.4, NM_001304971.2, NM_001377218.1 and 1 more transcripts); c.2006G>A, p.Gly669Glu (NM_001304969.3, NM_001377219.1, NM_001377220.1 and 2 more transcripts); c.980G>A, p.Gly327Glu (NM_001304970.3); c.2003G>A, p.Gly668Glu (NM_001377222.1, NM_001377223.1); c.2000G>A, p.Gly667Glu (NM_001377224.1); short protein forms G667E, G669E, G327E, G668E, G670E.
Identifiers: ClinVar variation 5026796 (VCV005026796.1).

ClinVar aggregate classification (germline): Uncertain significance (1 of 4 stars; one submission).

gnomAD v4.1: 7 of 1,600,210 alleles (0.00044%); highest among the groups gnomAD compares: Non-Finnish European, 0.0006%; no homozygotes.

Submission:

Ambry Genetics
Classification: Uncertain significance. Last evaluated: 2026-06-18. Review status: criteria provided, single submitter. Criteria: Ambry Variant Classification Scheme 2023. Collection method: clinical testing. Allele origin: germline.
Comment: The p.G670E variant (also known as c.2009G>A), located in coding exon 11 of the PKP4 gene, results from a G to A substitution at nucleotide position 2009. The glycine at codon 670 is replaced by glutamic acid, an amino acid with similar properties. This amino acid position is conserved. In addition, this alteration is predicted to be deleterious by in silico analysis. Based on the available evidence, the clinical significance of this variant remains unclear.